The following is an entry in ClinVar:

ClinVar aggregate classification (germline): Conflicting classifications of pathogenicity. Review status: criteria provided, conflicting classifications (1 of 4 stars). 3 submissions from 3 submitters: Uncertain significance (1); Likely benign (1). 1 of the submissions does not count toward it. Last evaluated 2025-03-04.

Conditions:
Cardiovascular phenotype. Identifiers: MedGen CN230736.
Alstrom syndrome (ALMS). Identifiers: Orphanet 64, MedGen C0268425, MONDO:0008763, OMIM 203800.

Allele frequency attached by ClinVar (database versions not stated): gnomAD exomes 0.00001 and 0.00002; ExAC 0.00002; TOPMed 0.00002; gnomAD 0.00003.
gnomAD v4.1: 24 of 1,613,718 alleles (0.0015%); highest among the groups gnomAD compares: East Asian, 0.013%; no homozygotes.

Submissions (3):

Ambry Genetics
Classification: Likely benign for Cardiovascular phenotype. Last evaluated: 2025-03-04. Review status: criteria provided, single submitter. Criteria: Ambry Variant Classification Scheme 2023. Collection method: clinical testing. Allele origin: germline.

Labcorp Genetics (formerly Invitae), Labcorp
Classification: Uncertain significance for Alstrom syndrome. Last evaluated: 2022-02-21. Review status: criteria provided, single submitter. Criteria: Invitae Variant Classification Sherloc (09022015). Collection method: clinical testing. Allele origin: germline.
Comment: This sequence change replaces methionine, which is neutral and non-polar, with isoleucine, which is neutral and non-polar, at codon 2273 of the ALMS1 protein (p.Met2273Ile). This variant is present in population databases (rs765233946, gnomAD 0.02%). This variant has not been reported in the literature in individuals affected with ALMS1-related conditions. ClinVar contains an entry for this variant (Variation ID: 550304). In summary, the available evidence is currently insufficient to determine the role of this variant in disease. Therefore, it has been classified as a Variant of Uncertain Significance.

Counsyl
Classification: Uncertain significance for Alstrom syndrome. Last evaluated: 2017-01-19. Review status: no assertion criteria provided. Collection method: clinical testing. Allele origin: unknown. Not counted in ClinVar's aggregate classification.

NM_001378454.1(ALMS1):c.6816G>A (p.Met2272Ile)

Gene: ALMS1 (ALMS1 centrosome and basal body associated protein; plus strand). Cytogenetic location: 2p13.1.
Variant type: single nucleotide variant.
Coding change: c.6816G>A on transcript NM_001378454.1 (MANE Select); coding-DNA position 6816, G replaced by A.
Protein change: p.Met2272Ile; replaces methionine 2272 with isoleucine.
Molecular consequence: missense variant.
Genome position (GRCh38, 1-based): chr2:73,453,343, G>A. VCF-style: chr2-73453343-G-A. GRCh37 (hg19) VCF-style: chr2-73680470-G-A.
Other names: c.6819G>A, p.Met2273Ile (NM_015120.4); short protein forms M2273I, M2272I.
Identifiers: ClinVar variation 550304 (VCV000550304.5), dbSNP rs765233946, ClinGen allele CA1714129.
Genomic context (GRCh38, chr2:73,453,343, plus strand): 5'-AGAAAATAGTGCTAAAACTCTTAAGGAAATTCGGACACTTTTGATGGAGGCAGAAAATAT[G>A]GCACTGAAACGATGCAATTTTCCTGCTCCCCTTGCCCGTTTCAGAGATATTAGTGATATT-3'
Protein context (NP_001365383.1, residues 2262-2282): IRTLLMEAEN[Met2272Ile]ALKRCNFPAP